The following is an entry in ClinVar:

ClinVar aggregate classification (germline): Uncertain significance. Review status: criteria provided, multiple submitters, no conflicts (2 of 4 stars). 2 submissions from 2 submitters: Uncertain significance (2). Last evaluated 2024-02-27.

Conditions:
PMM2-congenital disorder of glycosylation. Also called: PMM2-CDG; PHOSPHOMANNOMUTASE 2 DEFICIENCY; CARBOHYDRATE-DEFICIENT GLYCOPROTEIN SYNDROME, TYPE Ia; CDG Ia; Congenital disorder of glycosylation, type Ia; JAEKEN SYNDROME. Identifiers: Orphanet 79318, MedGen C0349653, MONDO:0008907, OMIM 212065.

Allele frequency attached by ClinVar (database versions not stated): TOPMed below 0.00001.
gnomAD v4.1: 2 of 1,611,744 alleles (0.00012%); highest among the groups gnomAD compares: Admixed American, 0.0033%; no homozygotes.

Submissions (2):

Labcorp Genetics (formerly Invitae), Labcorp
Classification: Uncertain significance for PMM2-congenital disorder of glycosylation. Last evaluated: 2024-02-27. Review status: criteria provided, single submitter. Criteria: Invitae Variant Classification Sherloc (09022015). Collection method: clinical testing. Allele origin: germline.
Comment: This sequence change replaces serine, which is neutral and polar, with tyrosine, which is neutral and polar, at codon 246 of the PMM2 protein (p.Ser246Tyr). This variant is present in population databases (no rsID available, gnomAD 0.006%). This variant has not been reported in the literature in individuals affected with PMM2-related conditions. ClinVar contains an entry for this variant (Variation ID: 1391950). Advanced modeling of protein sequence and biophysical properties (such as structural, functional, and spatial information, amino acid conservation, physicochemical variation, residue mobility, and thermodynamic stability) performed at Invitae indicates that this missense variant is expected to disrupt PMM2 protein function with a positive predictive value of 95%. In summary, the available evidence is currently insufficient to determine the role of this variant in disease. Therefore, it has been classified as a Variant of Uncertain Significance.

Fulgent Genetics
Classification: Uncertain significance for PMM2-congenital disorder of glycosylation. Last evaluated: 2022-05-04. Review status: criteria provided, single submitter. Criteria: ACMG Guidelines, 2015. Collection method: clinical testing. Allele origin: unknown.

NM_000303.3(PMM2):c.737C>A (p.Ser246Tyr)

Gene: PMM2 (phosphomannomutase 2; plus strand). Cytogenetic location: 16p13.2.
Variant type: single nucleotide variant.
Coding change: c.737C>A on transcript NM_000303.3 (MANE Select); coding-DNA position 737, C replaced by A.
Protein change: p.Ser246Tyr; replaces serine 246 with tyrosine.
Molecular consequence: missense variant.
Genome position (GRCh38, 1-based): chr16:8,847,821, C>A. VCF-style: chr16-8847821-C-A. GRCh37 (hg19) VCF-style: chr16-8941678-C-A.
Other names: short protein forms S246Y.
Identifiers: ClinVar variation 1391950 (VCV001391950.8), dbSNP rs769177253, ClinGen allele CA394689721.